The following is an entry in ClinVar:

ClinVar aggregate classification (germline): Pathogenic (1 of 4 stars; one submission).

Conditions:
Fanconi anemia (FA). Also called: Fanconi's anemia. Identifiers: Orphanet 84, MedGen C0015625, MeSH D005199, MONDO:0019391.

Allele frequency attached by ClinVar (database versions not stated): gnomAD exomes below 0.00001.
gnomAD v4.1: 1 of 1,613,702 alleles (0.000062%); highest among the groups gnomAD compares: African/African-American, 0.0013%; no homozygotes.

Submission:

Labcorp Genetics (formerly Invitae), Labcorp
Classification: Pathogenic for Fanconi anemia. Last evaluated: 2022-09-17. Review status: criteria provided, single submitter. Criteria: Invitae Variant Classification Sherloc (09022015). Collection method: clinical testing. Allele origin: germline.
Comment: This sequence change creates a premature translational stop signal (p.Leu155*) in the FANCA gene. It is expected to result in an absent or disrupted protein product. Loss-of-function variants in FANCA are known to be pathogenic (PMID: 19367192). This variant is not present in population databases (gnomAD no frequency). For these reasons, this variant has been classified as Pathogenic. This variant has not been reported in the literature in individuals affected with FANCA-related conditions.

Literature cited by the submitters: PubMed 19367192.

NM_000135.4(FANCA):c.464T>A (p.Leu155Ter)

Gene: FANCA (FA complementation group A; minus strand). Cytogenetic location: 16q24.3.
Variant type: single nucleotide variant.
Coding change: c.464T>A on transcript NM_000135.4 (MANE Select); coding-DNA position 464, T replaced by A.
Protein change: p.Leu155Ter; replaces leucine 155 with a stop codon.
Molecular consequence: nonsense. On other transcripts: intron variant (1).
Genome position (GRCh38, 1-based): chr16:89,810,765, A>T on the plus strand (T>A on the coding strand, the complement: FANCA is on the minus strand). VCF-style: chr16-89810765-A-T. GRCh37 (hg19) VCF-style: chr16-89877173-A-T.
Other names: c.464T>A, p.Leu155Ter (NM_001018112.3, NM_001286167.3); c.426+164T>A (NM_001351830.2); short protein forms L155*.
Identifiers: ClinVar variation 2030926 (VCV002030926.4), dbSNP rs2544362522, ClinGen allele CA397480764.